The following is an entry in ClinVar:

ClinVar aggregate classification (germline): Uncertain significance (1 of 4 stars; one submission).

Conditions:
Familial thoracic aortic aneurysm and aortic dissection (TAAD). Also called: Thoracic aortic aneurysms and dissections. Identifiers: Orphanet 91387, MedGen C4707243, MONDO:0019625.

Submission:

Ambry Genetics
Classification: Uncertain significance for Familial thoracic aortic aneurysm and aortic dissection. Last evaluated: 2021-10-13. Review status: criteria provided, single submitter. Criteria: Ambry Variant Classification Scheme 2023. Collection method: clinical testing. Allele origin: germline.
Comment: The p.N154D variant (also known as c.460A>G), located in coding exon 4 of the TGFBR2 gene, results from an A to G substitution at nucleotide position 460. The asparagine at codon 154 is replaced by aspartic acid, an amino acid with highly similar properties. This amino acid position is conserved. In addition, this alteration is predicted to be tolerated by in silico analysis. Since supporting evidence is limited at this time, the clinical significance of this alteration remains unclear.

NM_003242.6(TGFBR2):c.460A>G (p.Asn154Asp)

Gene: TGFBR2 (transforming growth factor beta receptor 2; plus strand). Cytogenetic location: 3p24.1.
Variant type: single nucleotide variant.
Coding change: c.460A>G on transcript NM_003242.6 (MANE Select); coding-DNA position 460, A replaced by G.
Protein change: p.Asn154Asp; replaces asparagine 154 with aspartic acid.
Molecular consequence: missense variant.
Genome position (GRCh38, 1-based): chr3:30,671,643, A>G. VCF-style: chr3-30671643-A-G. GRCh37 (hg19) VCF-style: chr3-30713135-A-G.
Other names: c.535A>G, p.Asn179Asp (NM_001024847.3); c.643A>G, p.Asn215Asp (NM_001407126.1); c.568A>G, p.Asn190Asp (NM_001407127.1); c.487A>G, p.Asn163Asp (NM_001407128.1); c.463A>G, p.Asn155Asp (NM_001407129.1); c.460A>G, p.Asn154Asp (NM_001407130.1); c.355A>G, p.Asn119Asp (NM_001407132.1, NM_001407133.1, NM_001407134.1 and 2 more transcripts); c.175A>G, p.Asn59Asp (NM_001407137.1); and 1 more; short protein forms N119D, N155D, N154D, N179D, N190D, N34D, N163D, N215D.
Identifiers: ClinVar variation 1741865 (VCV001741865.2), dbSNP rs2125433197, ClinGen allele CA351807160.